The following is an entry in ClinVar:

ClinVar aggregate classification (germline): Likely pathogenic (1 of 4 stars; one submission).

Submission:

Labcorp Genetics (formerly Invitae), Labcorp
Classification: Likely pathogenic. Last evaluated: 2023-08-06. Review status: criteria provided, single submitter. Criteria: Invitae Variant Classification Sherloc (09022015). Collection method: clinical testing. Allele origin: germline.
Comment: This sequence change replaces proline, which is neutral and non-polar, with threonine, which is neutral and polar, at codon 1438 of the ABCA4 protein (p.Pro1438Thr). This variant is not present in population databases (gnomAD no frequency). This variant has not been reported in the literature in individuals affected with ABCA4-related conditions. Advanced modeling of protein sequence and biophysical properties (such as structural, functional, and spatial information, amino acid conservation, physicochemical variation, residue mobility, and thermodynamic stability) performed at Invitae indicates that this missense variant is expected to disrupt ABCA4 protein function. This variant disrupts the p.Pro1438 amino acid residue in ABCA4. Other variant(s) that disrupt this residue have been determined to be pathogenic (PMID: 29925512; Invitae). This suggests that this residue is clinically significant, and that variants that disrupt this residue are likely to be disease-causing. In summary, the currently available evidence indicates that the variant is pathogenic, but additional data are needed to prove that conclusively. Therefore, this variant has been classified as Likely Pathogenic.

Literature cited by the submitters: PubMed 29925512.

NM_000350.3(ABCA4):c.4312C>A (p.Pro1438Thr)

Gene: ABCA4 (ATP binding cassette subfamily A member 4; minus strand). Cytogenetic location: 1p22.1.
Variant type: single nucleotide variant.
Coding change: c.4312C>A on transcript NM_000350.3 (MANE Select); coding-DNA position 4312, C replaced by A.
Protein change: p.Pro1438Thr; replaces proline 1438 with threonine.
Molecular consequence: missense variant.
Genome position (GRCh38, 1-based): chr1:94,030,468, G>T on the plus strand (C>A on the coding strand, the complement: ABCA4 is on the minus strand). VCF-style: chr1-94030468-G-T. GRCh37 (hg19) VCF-style: chr1-94496024-G-T.
Other names: c.4090C>A, p.Pro1364Thr (NM_001425324.1); short protein forms P1364T, P1438T.
Identifiers: ClinVar variation 2750636 (VCV002750636.3), dbSNP rs1046550021, ClinGen allele CA341285757.
Genomic context (GRCh38, chr1:94,030,468, plus strand): 5'-AGGGGCGCGTAGGCACTTACGGAAGCCACCCTTCCTTCAGGCAGCGGTTGCCAAAGCCTG[G>T]CTTATTCAGGAGGACGTCTGCAAGTACCGTGAACTGCTCACTGCCTGGTTCATCCATGCT-3'
Protein context (NP_000341.2, residues 1428-1448): TVLADVLLNK[Pro1438Thr]GFGNRCLKEG